The following is an entry in ClinVar:

NM_001270.4(CHD1):c.3324_3341del (p.Lys1110_Pro1115del)

Gene: CHD1 (chromodomain helicase DNA binding protein 1; minus strand). Cytogenetic location: 5q15.
Variant type: Deletion.
Coding change: c.3324_3341del on transcript NM_001270.4 (MANE Select); coding-DNA positions 3324 to 3341, 18 bases deleted (GCCAAAGAAACGTGGAAG).
Protein change: p.Lys1110_Pro1115del.
Molecular consequence: inframe deletion. On other transcripts: non-coding transcript variant (2).
Genome position (GRCh38, 1-based): chr5:98,876,455-98,876,472, CTTCCACGTTTCTTTGGC deleted on the plus strand (GCCAAAGAAACGTGGAAG on the coding strand, the reverse complement: CHD1 is on the minus strand); deleting any 18 consecutive bases within chr5:98,876,455-98,876,475 gives the same sequence; the c. name uses the placement nearest the transcript's 3' end. VCF-style (leftmost placement, unchanged base first): chr5-98876454-TCTTCCACGTTTCTTTGGC-T. GRCh37 (hg19) VCF-style: chr5-98212158-TCTTCCACGTTTCTTTGGC-T.
Other names: c.3324_3341del, p.Lys1110_Pro1115del (NM_001364113.3, NM_001376194.2).
Identifiers: ClinVar variation 4856038 (VCV004856038.1).

ClinVar aggregate classification (germline): Uncertain significance (1 of 4 stars; one submission).

Conditions:
Pilarowski-Bjornsson syndrome. Also called: DEVELOPMENTAL DELAY AND SPEECH APRAXIA WITH OR WITHOUT SEIZURES. Identifiers: Orphanet 529965, MedGen C4540131, MONDO:0060568, OMIM 617682.

Submission:

3billion
Classification: Uncertain significance for Pilarowski-Bjornsson syndrome. Last evaluated: 2025-11-24. Review status: criteria provided, single submitter. Criteria: ACMG Guidelines, 2015. Collection method: clinical testing. Allele origin: germline. Affected: yes.
Comment: The variant is not observed in the gnomAD v4.1.0 dataset. Predicted Consequence/Location: Inframe deletion located in a nonrepeat region: predicted to change the length of the protein and disrupt normal protein function. Therefore, this variant is classified as VUS according to the recommendation of ACMG/AMP guideline.